The following is an entry in ClinVar:

NM_000180.4(GUCY2D):c.140C>T (p.Pro47Leu)

Gene: GUCY2D (guanylate cyclase 2D, retinal; plus strand). Cytogenetic location: 17p13.1.
Variant type: single nucleotide variant.
Coding change: c.140C>T on transcript NM_000180.4 (MANE Select); coding-DNA position 140, C replaced by T.
Protein change: p.Pro47Leu; replaces proline 47 with leucine.
Molecular consequence: missense variant.
Genome position (GRCh38, 1-based): chr17:8,003,187, C>T. VCF-style: chr17-8003187-C-T. GRCh37 (hg19) VCF-style: chr17-7906505-C-T.
Other names: c.140C>T (NM_000180.3); short protein forms P47L.
Identifiers: ClinVar variation 1429566 (VCV001429566.7), dbSNP rs1014118881, ClinGen allele CA287522942.
Genomic context (GRCh38, chr17:8,003,187, plus strand): 5'-CCCGCCTCCCCCGGGCCCTGCCCCGGCTCCCGCTCCTGCTGCTCCTGCTTCTGCTGCAGC[C>T]CCCCGCCCTCTCCGCCGTGTTCACGGTGGGGGTCCTGGGCCCCTGGGCTTGCGACCCCAT-3'
Protein context (NP_000171.1, residues 37-57): PLLLLLLLLQ[Pro47Leu]PALSAVFTVG

ClinVar aggregate classification (germline): Uncertain significance. Review status: criteria provided, multiple submitters, no conflicts (2 of 4 stars). 2 submissions from 2 submitters: Uncertain significance (2). Last evaluated 2025-11-24.

Conditions:
Inborn genetic diseases. Identifiers: MedGen C0950123, MeSH D030342.
Cone-rod dystrophy 6 (CORD6). Also called: RETINAL CONE DYSTROPHY 2; Cone dystrophy progressive. Identifiers: Orphanet 1872, MedGen C1866293, MONDO:0011143, OMIM 601777.
Leber congenital amaurosis 1 (LCA1). Also called: Congenital absence of the rods and cones; Leber's congenital tapetoretinal degeneration; Leber's congenital tapetoretinal dysplasia; RETINAL BLINDNESS, CONGENITAL; AMAUROSIS CONGENITA OF LEBER I. Identifiers: Orphanet 65, MedGen C2931258, MONDO:0008764, OMIM 204000.

Allele frequency attached by ClinVar (database versions not stated): gnomAD exomes 0.00002; gnomAD 0.00007; TOPMed 0.00008.
gnomAD v4.1: 13 of 1,517,050 alleles (0.00086%); highest among the groups gnomAD compares: African/African-American, 0.013%; no homozygotes.

Submissions (2):

Ambry Genetics
Classification: Uncertain significance for Inborn genetic diseases. Last evaluated: 2025-11-24. Review status: criteria provided, single submitter. Criteria: Ambry Variant Classification Scheme 2023. Collection method: clinical testing. Allele origin: germline.

Labcorp Genetics (formerly Invitae), Labcorp
Classification: Uncertain significance for Leber congenital amaurosis 1; Cone-rod dystrophy 6. Last evaluated: 2023-11-27. Review status: criteria provided, single submitter. Criteria: Invitae Variant Classification Sherloc (09022015). Collection method: clinical testing. Allele origin: germline.
Comment: This sequence change replaces proline, which is neutral and non-polar, with leucine, which is neutral and non-polar, at codon 47 of the GUCY2D protein (p.Pro47Leu). The frequency data for this variant in the population databases is considered unreliable, as metrics indicate poor data quality at this position in the gnomAD database. This variant has not been reported in the literature in individuals affected with GUCY2D-related conditions. ClinVar contains an entry for this variant (Variation ID: 1429566). Advanced modeling of protein sequence and biophysical properties (such as structural, functional, and spatial information, amino acid conservation, physicochemical variation, residue mobility, and thermodynamic stability) performed at Invitae indicates that this missense variant is not expected to disrupt GUCY2D protein function with a negative predictive value of 80%. In summary, the available evidence is currently insufficient to determine the role of this variant in disease. Therefore, it has been classified as a Variant of Uncertain Significance.